The following is an entry in ClinVar:

ClinVar aggregate classification (germline): Uncertain significance (1 of 4 stars; one submission).

gnomAD v4.1: 13 of 1,598,554 alleles (0.00081%); highest among the groups gnomAD compares: Non-Finnish European, 0.0011%; no homozygotes.

Submission:

Labcorp Genetics (formerly Invitae), Labcorp
Classification: Uncertain significance. Last evaluated: 2022-06-13. Review status: criteria provided, single submitter. Criteria: Invitae Variant Classification Sherloc (09022015). Collection method: clinical testing. Allele origin: germline.
Comment: This sequence change replaces glycine, which is neutral and non-polar, with arginine, which is basic and polar, at codon 240 of the SLC18A3 protein (p.Gly240Arg). This variant is not present in population databases (gnomAD no frequency). This variant has not been reported in the literature in individuals affected with SLC18A3-related conditions. Algorithms developed to predict the effect of missense changes on protein structure and function (SIFT, PolyPhen-2, Align-GVGD) all suggest that this variant is likely to be disruptive. In summary, the available evidence is currently insufficient to determine the role of this variant in disease. Therefore, it has been classified as a Variant of Uncertain Significance.

NM_003055.3(SLC18A3):c.718G>C (p.Gly240Arg)

Genes: CHAT (choline O-acetyltransferase; plus strand), SLC18A3 (solute carrier family 18 member A3; plus strand). Cytogenetic location: 10q11.23.
Variant type: single nucleotide variant.
Coding change: c.718G>C on transcript NM_003055.3 (MANE Select); coding-DNA position 718, G replaced by C.
Protein change: p.Gly240Arg; replaces glycine 240 with arginine.
Molecular consequence: missense variant. On other transcripts: intron variant (1).
Genome position (GRCh38, 1-based): chr10:49,611,458, G>C. VCF-style: chr10-49611458-G-C. GRCh37 (hg19) VCF-style: chr10-50819504-G-C.
Other names: c.-69+2259G>C (NM_020984.4); short protein forms G240R.
Identifiers: ClinVar variation 1349264 (VCV001349264.8), dbSNP rs913848936, ClinGen allele CA376720468.